The following is an entry in ClinVar:

ClinVar aggregate classification (germline): Uncertain significance (1 of 4 stars; one submission).

Submission:

Labcorp Genetics (formerly Invitae), Labcorp
Classification: Uncertain significance. Last evaluated: 2021-12-21. Review status: criteria provided, single submitter. Criteria: Invitae Variant Classification Sherloc (09022015). Collection method: clinical testing. Allele origin: germline.
Comment: Advanced modeling of protein sequence and biophysical properties (such as structural, functional, and spatial information, amino acid conservation, physicochemical variation, residue mobility, and thermodynamic stability) performed at Invitae indicates that this missense variant is not expected to disrupt FAT4 protein function. This sequence change replaces isoleucine, which is neutral and non-polar, with valine, which is neutral and non-polar, at codon 4294 of the FAT4 protein (p.Ile4294Val). This variant is not present in population databases (gnomAD no frequency). This variant has not been reported in the literature in individuals affected with FAT4-related conditions. In summary, the available evidence is currently insufficient to determine the role of this variant in disease. Therefore, it has been classified as a Variant of Uncertain Significance.

NM_001291303.3(FAT4):c.12886A>G (p.Ile4296Val)

Gene: FAT4 (FAT atypical cadherin 4; plus strand). Cytogenetic location: 4q28.1.
Variant type: single nucleotide variant.
Coding change: c.12886A>G on transcript NM_001291303.3 (MANE Select); coding-DNA position 12886, A replaced by G.
Protein change: p.Ile4296Val; replaces isoleucine 4296 with valine.
Molecular consequence: missense variant.
Genome position (GRCh38, 1-based): chr4:125,487,408, A>G. VCF-style: chr4-125487408-A-G. GRCh37 (hg19) VCF-style: chr4-126408563-A-G.
Other names: c.12886A>G, p.Ile4296Val (NM_001291285.3); c.12880A>G, p.Ile4294Val (NM_024582.6); short protein forms I4296V, I4294V.
Identifiers: ClinVar variation 2050915 (VCV002050915.4), dbSNP rs2531044285, ClinGen allele CA358134083.